The following is an entry in ClinVar:

NM_006567.5(FARS2):c.772+4A>C

Gene: FARS2 (phenylalanyl-tRNA synthetase 2, mitochondrial; plus strand). Cytogenetic location: 6p25.1.
Variant type: single nucleotide variant.
Coding change: c.772+4A>C on transcript NM_006567.5 (MANE Select); 4 bases into the intron after coding-DNA position 772, A replaced by C.
Molecular consequence: intron variant.
Genome position (GRCh38, 1-based): chr6:5,404,705, A>C. VCF-style: chr6-5404705-A-C. GRCh37 (hg19) VCF-style: chr6-5404938-A-C.
Other names: c.772+4A>C (NM_001374878.1, NM_001318872.2, NM_001374877.1 and 5 more transcripts); c.76+4A>C (NM_001375260.1, NM_001375259.1).
Identifiers: ClinVar variation 962638 (VCV000962638.3), dbSNP rs1368789274, ClinGen allele CA1139659411.

ClinVar aggregate classification (germline): Uncertain significance (1 of 4 stars; one submission).

Conditions:
Combined oxidative phosphorylation defect type 14. Also called: Combined oxidative phosphorylation deficiency 14. Identifiers: Orphanet 319519, MedGen C4755312, MONDO:0013986, OMIM 614946.

Submission:

Labcorp Genetics (formerly Invitae), Labcorp
Classification: Uncertain significance for Combined oxidative phosphorylation defect type 14. Last evaluated: 2020-06-19. Review status: criteria provided, single submitter. Criteria: Invitae Variant Classification Sherloc (09022015). Collection method: clinical testing. Allele origin: germline.
Comment: This sequence change falls in intron 3 of the FARS2 gene. It does not directly change the encoded amino acid sequence of the FARS2 protein, but it affects a nucleotide within the consensus splice site of the intron. This variant is not present in population databases (ExAC no frequency). This variant has not been reported in the literature in individuals with FARS2-related conditions. Nucleotide substitutions within the consensus splice site are a relatively common cause of aberrant splicing (PMID: 17576681, 9536098). Algorithms developed to predict the effect of sequence changes on RNA splicing suggest that this variant is not likely to affect RNA splicing, but this prediction has not been confirmed by published transcriptional studies. In summary, the available evidence is currently insufficient to determine the role of this variant in disease. Therefore, it has been classified as a Variant of Uncertain Significance.

Literature cited by the submitters: PubMed 17576681; PubMed 9536098.